The following is an entry in ClinVar:

Conditions:
Arteriohepatic dysplasia. Also called: Alagille Syndrome. Identifiers: Orphanet 52, MedGen C0085280, MeSH D016738, MONDO:0007318.

Submission:

Gilbert/Spinner Lab, Children's Hospital of Philadelphia
No classification provided (evidence only). Condition: Alagille syndrome. Review status: no classification provided. Collection method: research. Allele origin: not applicable. Functional consequence: functionally_abnormal.
ClinVar note: "not provided" was previously submitted as the classification for the variant. However, the classification appeared to be based only on an observation of functional data so it was converted to no classification on 2025-07-30.

NM_000214.3(JAG1):c.942C>A (p.Asn314Lys)

Gene: JAG1 (jagged canonical Notch ligand 1; minus strand). Cytogenetic location: 20p12.2.
Variant type: single nucleotide variant.
Coding change: c.942C>A on transcript NM_000214.3 (MANE Select); coding-DNA position 942, C replaced by A.
Protein change: p.Asn314Lys; replaces asparagine 314 with lysine.
Molecular consequence: missense variant.
Genome position (GRCh38, 1-based): chr20:10,652,195, G>T on the plus strand (C>A on the coding strand, the complement: JAG1 is on the minus strand). VCF-style: chr20-10652195-G-T. GRCh37 (hg19) VCF-style: chr20-10632843-G-T.
Other names: short protein forms N314K.
Identifiers: ClinVar variation 3573197 (VCV003573197.2).